The following is an entry in ClinVar:

NM_000260.4(MYO7A):c.1747T>C (p.Ser583Pro)

Gene: MYO7A (myosin VIIA; plus strand). Cytogenetic location: 11q13.5.
Variant type: single nucleotide variant.
Coding change: c.1747T>C on transcript NM_000260.4 (MANE Select); coding-DNA position 1747, T replaced by C.
Protein change: p.Ser583Pro; replaces serine 583 with proline.
Molecular consequence: missense variant.
Genome position (GRCh38, 1-based): chr11:77,166,112, T>C. VCF-style: chr11-77166112-T-C. GRCh37 (hg19) VCF-style: chr11-76877158-T-C.
Other names: c.1747T>C, p.Ser583Pro (NM_001127180.2); c.1714T>C, p.Ser572Pro (NM_001369365.1); short protein forms S572P, S583P.
Identifiers: ClinVar variation 4688823 (VCV004688823.1).
Genomic context (GRCh38, chr11:77,166,112, plus strand): 5'-GCAGGCTTCCTGGAGAAGAACCGAGACACCCTGCATGGGGACATTATCCAGCTGGTCCAC[T>C]CCTCCAGGAACAAGTTCATCAAGCAGATCTTCCAGGCCGATGTCGCCATGGTAAGCCGGG-3'
Protein context (NP_000251.3, residues 573-593): LHGDIIQLVH[Ser583Pro]SRNKFIKQIF

ClinVar aggregate classification (germline): Uncertain significance (1 of 4 stars; one submission).

gnomAD v4.1: 2 of 1,613,826 alleles (0.00012%); highest among the groups gnomAD compares: Non-Finnish European, 0.00017%; no homozygotes.

Submission:

Women's Health and Genetics/Laboratory Corporation of America, LabCorp
Classification: Uncertain significance. Last evaluated: 2025-12-26. Review status: criteria provided, single submitter. Criteria: LabCorp Variant Classification Summary - May 2015. Collection method: clinical testing. Allele origin: germline.
Comment: Variant summary: MYO7A c.1747T>C (p.Ser583Pro) results in a non-conservative amino acid change in the encoded protein sequence. Algorithms developed to predict the effect of missense changes on protein structure and function all suggest that this variant is likely to be disruptive. The variant was absent in 249180 control chromosomes. The available data on variant occurrences in the general population are insufficient to allow any conclusion about variant significance. c.1747T>C has been observed in individual(s) affected with Usher Syndrome (Sloan-Heggen_2016). These data do not allow any conclusion about variant significance. To our knowledge, no experimental evidence demonstrating an impact on protein function has been reported. The following publication have been ascertained in the context of this evaluation (PMID: 26969326). No submitters have cited clinical-significance assessments for this variant to ClinVar. Based on the evidence outlined above, the variant was classified as uncertain significance.

Literature cited by the submitters: PubMed 26969326.